The following is an entry in ClinVar:

NM_006922.4(SCN3A):c.2848G>C (p.Asp950His)

Gene: SCN3A (sodium voltage-gated channel alpha subunit 3; minus strand). Cytogenetic location: 2q24.3.
Variant type: single nucleotide variant.
Coding change: c.2848G>C on transcript NM_006922.4 (MANE Select); coding-DNA position 2848, G replaced by C.
Protein change: p.Asp950His; replaces aspartic acid 950 with histidine.
Molecular consequence: missense variant.
Genome position (GRCh38, 1-based): chr2:165,130,014, C>G on the plus strand (G>C on the coding strand, the complement: SCN3A is on the minus strand). VCF-style: chr2-165130014-C-G. GRCh37 (hg19) VCF-style: chr2-165986524-C-G.
Other names: c.2701G>C, p.Asp901His (NM_001081676.2, NM_001081677.2); short protein forms D901H, D950H.
Identifiers: ClinVar variation 1023549 (VCV001023549.10), dbSNP rs1416057018, ClinGen allele CA349042381.

ClinVar aggregate classification (germline): Uncertain significance (1 of 4 stars; one submission).

Allele frequency attached by ClinVar (database versions not stated): gnomAD 0.00001; TOPMed 0.00001.
gnomAD v4.1: 4 of 1,614,036 alleles (0.00025%); highest among the groups gnomAD compares: African/African-American, 0.0013%; no homozygotes.

Submission:

Labcorp Genetics (formerly Invitae), Labcorp
Classification: Uncertain significance. Last evaluated: 2024-09-29. Review status: criteria provided, single submitter. Criteria: Invitae Variant Classification Sherloc (09022015). Collection method: clinical testing. Allele origin: germline.
Comment: This sequence change replaces aspartic acid, which is acidic and polar, with histidine, which is basic and polar, at codon 950 of the SCN3A protein (p.Asp950His). This variant is not present in population databases (gnomAD no frequency). This variant has not been reported in the literature in individuals affected with SCN3A-related conditions. ClinVar contains an entry for this variant (Variation ID: 1023549). Invitae Evidence Modeling of protein sequence and biophysical properties (such as structural, functional, and spatial information, amino acid conservation, physicochemical variation, residue mobility, and thermodynamic stability) has been performed for this missense variant. However, the output from this modeling did not meet the statistical confidence thresholds required to predict the impact of this variant on SCN3A protein function. In summary, the available evidence is currently insufficient to determine the role of this variant in disease. Therefore, it has been classified as a Variant of Uncertain Significance.